The following is an entry in ClinVar:

NM_003055.3(SLC18A3):c.682G>T (p.Ala228Ser)

Genes: CHAT (choline O-acetyltransferase; plus strand), SLC18A3 (solute carrier family 18 member A3; plus strand). Cytogenetic location: 10q11.23.
Variant type: single nucleotide variant.
Coding change: c.682G>T on transcript NM_003055.3 (MANE Select); coding-DNA position 682, G replaced by T.
Protein change: p.Ala228Ser; replaces alanine 228 with serine.
Molecular consequence: missense variant. On other transcripts: intron variant (1).
Genome position (GRCh38, 1-based): chr10:49,611,422, G>T. VCF-style: chr10-49611422-G-T. GRCh37 (hg19) VCF-style: chr10-50819468-G-T.
Other names: c.-69+2223G>T (NM_020984.4); short protein forms A228S.
Identifiers: ClinVar variation 1358954 (VCV001358954.6), dbSNP rs1391546879, ClinGen allele CA376720192.

ClinVar aggregate classification (germline): Uncertain significance (1 of 4 stars; one submission).

Allele frequency attached by ClinVar (database versions not stated): gnomAD exomes 0.00001.
gnomAD v4.1: 16 of 1,597,714 alleles (0.001%); highest among the groups gnomAD compares: Non-Finnish European, 0.0013%; no homozygotes.

Submission:

Labcorp Genetics (formerly Invitae), Labcorp
Classification: Uncertain significance. Last evaluated: 2022-07-05. Review status: criteria provided, single submitter. Criteria: Invitae Variant Classification Sherloc (09022015). Collection method: clinical testing. Allele origin: germline.
Comment: This sequence change replaces alanine, which is neutral and non-polar, with serine, which is neutral and polar, at codon 228 of the SLC18A3 protein (p.Ala228Ser). The frequency data for this variant in the population databases is considered unreliable, as metrics indicate poor data quality at this position in the gnomAD database. This variant has not been reported in the literature in individuals affected with SLC18A3-related conditions. ClinVar contains an entry for this variant (Variation ID: 1358954). Algorithms developed to predict the effect of missense changes on protein structure and function (SIFT, PolyPhen-2, Align-GVGD) all suggest that this variant is likely to be disruptive. In summary, the available evidence is currently insufficient to determine the role of this variant in disease. Therefore, it has been classified as a Variant of Uncertain Significance.